The following is an entry in ClinVar:

NM_022455.5(NSD1):c.7016C>T (p.Pro2339Leu)

Gene: NSD1 (nuclear receptor binding SET domain protein 1; plus strand). Cytogenetic location: 5q35.3.
Variant type: single nucleotide variant.
Coding change: c.7016C>T on transcript NM_022455.5 (MANE Select); coding-DNA position 7016, C replaced by T.
Protein change: p.Pro2339Leu; replaces proline 2339 with leucine.
Molecular consequence: missense variant.
Genome position (GRCh38, 1-based): chr5:177,294,384, C>T. VCF-style: chr5-177294384-C-T. GRCh37 (hg19) VCF-style: chr5-176721385-C-T.
Other names: c.6143C>T, p.Pro2048Leu (NM_001365684.2, NM_001409308.1, NM_172349.5); c.7016C>T, p.Pro2339Leu (NM_001409301.1, NM_001409302.1, NM_001409303.1); c.6596C>T, p.Pro2199Leu (NM_001409304.1); c.6263C>T, p.Pro2088Leu (NM_001409305.1); c.6254C>T, p.Pro2085Leu (NM_001409306.1, NM_001409307.1); c.5894C>T, p.Pro1965Leu (NM_001409309.1); short protein forms P2070L, P2339L, P2088L, P1965L, P2048L, P2085L, P2199L.
Identifiers: ClinVar variation 661411 (VCV000661411.10), dbSNP rs1581564675, ClinGen allele CA362327906.

ClinVar aggregate classification (germline): Uncertain significance. Review status: criteria provided, multiple submitters, no conflicts (2 of 4 stars). 2 submissions from 2 submitters: Uncertain significance (2). Last evaluated 2022-01-20.

Conditions:
Sotos syndrome (SOTOS). Also called: CHROMOSOME 5q35 DELETION SYNDROME; CEREBRAL GIGANTISM; Sotos' syndrome; SOTOS SYNDROME 1; Distinctive facial appearance, overgrowth in childhood, and learning disabilities or delayed development. Identifiers: Orphanet 821, MedGen C0175695, MONDO:0019349, OMIM 117550.

gnomAD v4.1: 1 of 1,614,200 alleles (0.000062%); no homozygotes.

Submissions (2):

Fulgent Genetics
Classification: Uncertain significance for Sotos syndrome. Last evaluated: 2022-01-20. Review status: criteria provided, single submitter. Criteria: ACMG Guidelines, 2015. Collection method: clinical testing. Allele origin: unknown.

Labcorp Genetics (formerly Invitae), Labcorp
Classification: Uncertain significance. Last evaluated: 2018-12-06. Review status: criteria provided, single submitter. Criteria: Invitae Variant Classification Sherloc (09022015). Collection method: clinical testing. Allele origin: germline.
Comment: In summary, the available evidence is currently insufficient to determine the role of this variant in disease. Therefore, it has been classified as a Variant of Uncertain Significance. Algorithms developed to predict the effect of missense changes on protein structure and function (SIFT, PolyPhen-2, Align-GVGD) all suggest that this variant is likely to be tolerated, but these predictions have not been confirmed by published functional studies and their clinical significance is uncertain. This variant has not been reported in the literature in individuals with NSD1-related disease. This variant is not present in population databases (ExAC no frequency). This sequence change replaces proline with leucine at codon 2339 of the NSD1 protein (p.Pro2339Leu). The proline residue is weakly conserved and there is a moderate physicochemical difference between proline and leucine.